The following is an entry in ClinVar:

NM_003560.4(PLA2G6):c.1495G>A (p.Ala499Thr)

Gene: PLA2G6 (phospholipase A2 group VI; minus strand). Cytogenetic location: 22q13.1.
Variant type: single nucleotide variant.
Coding change: c.1495G>A on transcript NM_003560.4 (MANE Select); coding-DNA position 1495, G replaced by A.
Protein change: p.Ala499Thr; replaces alanine 499 with threonine.
Molecular consequence: missense variant.
Genome position (GRCh38, 1-based): chr22:38,123,191, C>T on the plus strand (G>A on the coding strand, the complement: PLA2G6 is on the minus strand). VCF-style: chr22-38123191-C-T. GRCh37 (hg19) VCF-style: chr22-38519198-C-T.
Other names: NM_003560.4(PLA2G6):c.1495G>A; p.Ala499Thr; c.1495G>A (NM_003560.2); c.1333G>A, p.Ala445Thr (NM_001004426.3, NM_001199562.3, NM_001349865.2 and 1 more transcripts); c.1495G>A, p.Ala499Thr (NM_001349864.2); c.961G>A, p.Ala321Thr (NM_001349867.2); c.817G>A, p.Ala273Thr (NM_001349868.2); c.799G>A, p.Ala267Thr (NM_001349869.2); short protein forms A267T, A499T, A273T, A445T, A321T.
Identifiers: ClinVar variation 803693 (VCV000803693.13), dbSNP rs141045127, ClinGen allele CA10230816.

ClinVar aggregate classification (germline): Conflicting classifications of pathogenicity. Review status: criteria provided, conflicting classifications (1 of 4 stars). 8 submissions from 8 submitters: Likely pathogenic (5); Uncertain significance (3). Last evaluated 2025-09-20.

Conditions:
PLA2G6-related disorder. Also called: PLA2G6-related condition.
Autosomal recessive Parkinson disease 14. Also called: PARKINSON DISEASE 14; DYSTONIA-PARKINSONISM, ADULT-ONSET. Identifiers: Orphanet 199351, MedGen C2751842, MONDO:0013060, OMIM 612953.
Infantile neuroaxonal dystrophy (NBIA2A). Also called: NEURODEGENERATION WITH BRAIN IRON ACCUMULATION 2A; Infantile neuroaxonal dystrophy 1; SEITELBERGER DISEASE. Identifiers: Orphanet 35069, MedGen C0270724, MONDO:0024457, OMIM 256600.
Neurodegeneration with brain iron accumulation 2B. Also called: aNAD; atypical Neuroaxonal Dystrophy (aNAD); NEUROAXONAL DYSTROPHY, ATYPICAL; NEURODEGENERATION WITH BRAIN IRON ACCUMULATION, PLA2G6-RELATED. Identifiers: Orphanet 35069, MedGen C1857747, MONDO:0012444, OMIM 610217.
PLA2G6-associated neurodegeneration (PLAN). Also called: phospholipase A2-associated neurodegeneration. Identifiers: Orphanet 329303, MedGen CN204472, MONDO:0017998.
Neurodegeneration with brain iron accumulation (NBIA). Identifiers: Orphanet 385, MedGen C2931845, MONDO:0018307.

Allele frequency attached by ClinVar (database versions not stated): ExAC below 0.00001; gnomAD 0.00005 and 0.00006; ESP Exome Variant Server 0.00016; gnomAD exomes 0.00001; TOPMed 0.00006.
gnomAD v4.1: 28 of 1,553,098 alleles (0.0018%); highest among the groups gnomAD compares: Admixed American, 0.0059%; no homozygotes.

Submissions (8):

Labcorp Genetics (formerly Invitae), Labcorp
Classification: Likely pathogenic for Infantile neuroaxonal dystrophy. Last evaluated: 2025-09-20. Review status: criteria provided, single submitter. Criteria: Invitae Variant Classification Sherloc (09022015). Collection method: clinical testing. Allele origin: germline.
Comment: This sequence change replaces alanine, which is neutral and non-polar, with threonine, which is neutral and polar, at codon 499 of the PLA2G6 protein (p.Ala499Thr). The frequency data for this variant in the population databases is considered unreliable, as metrics indicate poor data quality at this position in the gnomAD database. This missense change has been observed in individuals with clinical features of PLA2G6-related conditions (PMID: 27942883; internal data). ClinVar contains an entry for this variant (Variation ID: 803693). Invitae Evidence Modeling of protein sequence and biophysical properties (such as structural, functional, and spatial information, amino acid conservation, physicochemical variation, residue mobility, and thermodynamic stability) indicates that this missense variant is not expected to disrupt PLA2G6 protein function with a negative predictive value of 80%. This variant disrupts the p.Ala499 amino acid residue in PLA2G6. Other variant(s) that disrupt this residue have been observed in individuals with PLA2G6-related conditions (PMID: 22934738), which suggests that this may be a clinically significant amino acid residue. In summary, the currently available evidence indicates that the variant is pathogenic, but additional data are needed to prove that conclusively. Therefore, this variant has been classified as Likely Pathogenic.

Women's Health and Genetics/Laboratory Corporation of America, LabCorp
Classification: Likely pathogenic for Neurodegeneration with brain iron accumulation. Last evaluated: 2024-07-29. Review status: criteria provided, single submitter. Criteria: LabCorp Variant Classification Summary - May 2015. Collection method: clinical testing. Allele origin: germline.
Comment: Variant summary: PLA2G6 c.1495G>A (p.Ala499Thr) results in a non-conservative amino acid change located in the Patatin-like phospholipase domain (IPR002641) of the encoded protein sequence. Four of five in-silico tools predict a damaging effect of the variant on protein function. The variant allele was found at a frequency of 6.2e-06 in 160002 control chromosomes. c.1495G>A has been reported in the literature in two siblings affected with Parkinsons disease (example, Yamashita_2017). These data indicate that the variant is likely to be associated with disease. To our knowledge, no experimental evidence demonstrating an impact on protein function has been reported. The following publications have been ascertained in the context of this evaluation (PMID: 32771225, 28211602, 27942883). ClinVar contains an entry for this variant (Variation ID: 803693). Based on the evidence outlined above, the variant was classified as likely pathogenic.

GeneDx
Classification: Uncertain significance. Last evaluated: 2024-07-01. Review status: criteria provided, single submitter. Criteria: GeneDx Variant Classification Process June 2021. Collection method: clinical testing. Allele origin: germline. Affected: yes.
Comment: Not observed at significant frequency in large population cohorts (gnomAD); In silico analysis indicates that this missense variant does not alter protein structure/function; This variant is associated with the following publications: (PMID: 28211602, 28150420, 27942883, 32771225)

Fulgent Genetics
Classification: Likely pathogenic for Infantile neuroaxonal dystrophy; Neurodegeneration with brain iron accumulation 2B; Autosomal recessive Parkinson disease 14. Last evaluated: 2024-04-15. Review status: criteria provided, single submitter. Criteria: ACMG Guidelines, 2015. Collection method: clinical testing. Allele origin: germline.

PreventionGenetics, part of Exact Sciences
Classification: Uncertain significance for PLA2G6-related condition. Last evaluated: 2023-10-09. Review status: criteria provided, single submitter. Criteria: ACMG Guidelines, 2015. Collection method: clinical testing. Allele origin: germline.
Comment: The PLA2G6 c.1495G>A variant is predicted to result in the amino acid substitution p.Ala499Thr. This variant has been reported with a second PLA2G6 variant or in the homozygous state in individuals with early-onset dystonia-parkinsonism, early onset (Yamashita et al. 2017. PubMed ID: 27942883; Miki et al. 2017. PubMed ID: 28211602; Chen et al. 2022. PubMed ID: 36033628). An alternative nucleotide change affecting the same amino acid (p.Ala499Val) has been reported in an individual with infantile neuroaxonal dystrophy (Zhang et al. 2013. PubMed ID: 22934738). This variant is reported in 0.0056% of alleles in individuals of African descent in gnomAD. Although we suspect that this variant may be pathogenic, at this time, the clinical significance of this variant is uncertain due to the absence of conclusive functional and genetic evidence.

Blueprint Genetics
Classification: Likely pathogenic for PLA2G6-related disorders. Last evaluated: 2023-03-08. Review status: criteria provided, single submitter. Criteria: ACMG Guidelines, 2015. Collection method: clinical testing. Allele origin: germline. Affected: yes. Observed: 3 variant alleles.

Broad Center for Mendelian Genomics, Broad Institute of MIT and Harvard
Classification: Uncertain significance for PLA2G6-associated neurodegeneration. Last evaluated: 2023-01-24. Review status: criteria provided, single submitter. Criteria: ACMG Guidelines, 2015. Collection method: curation. Allele origin: germline. Inheritance: Autosomal recessive inheritance.
Comment: The p.Ala499Thr variant in PLA2G6 has been reported in 1 individual, in the homozygous state, with PLA2G6-associated neurodegeneration (PMID: 27942883), segregated with disease in 1 affected relative in 1 family, and has been identified in 0.006% (1/17748) of African/African American chromosomes by the Genome Aggregation Database (gnomAD; dbSNP ID: rs141045127). Although this variant has been seen in the general population in a heterozygous state, its frequency is low enough to be consistent with a recessive carrier frequency. This variant has also been reported in ClinVar (Variation ID#: 803693) and has been interpreted as likely pathogenic by Mendelics and as a variant of uncertain significance by Invitae. Computational prediction tools and conservation analyses do not provide strong support for or against an impact to the protein. In summary, the clinical significance of the p.Ala499Thr variant is uncertain. ACMG/AMP Criteria applied: PM2_supporting, PM3_supporting (Richards 2015).

Mendelics
Classification: Likely pathogenic for Infantile neuroaxonal dystrophy. Last evaluated: 2019-05-28. Review status: criteria provided, single submitter. Criteria: Mendelics Assertion Criteria 2017. Collection method: clinical testing. Allele origin: unknown.

Literature cited by the submitters: PubMed 27942883 (cited by Labcorp Genetics (formerly Invitae), Labcorp and Women's Health and Genetics/Laboratory Corporation of America, LabCorp); PubMed 22934738 (cited by Labcorp Genetics (formerly Invitae), Labcorp); PubMed 32771225 (cited by Women's Health and Genetics/Laboratory Corporation of America, LabCorp); PubMed 28211602 (cited by Women's Health and Genetics/Laboratory Corporation of America, LabCorp).